The following is an entry in ClinVar:

NM_015041.3(CLUAP1):c.1130A>G (p.Asp377Gly)

Gene: CLUAP1 (clusterin associated protein 1; plus strand). Cytogenetic location: 16p13.3.
Variant type: single nucleotide variant.
Coding change: c.1130A>G on transcript NM_015041.3 (MANE Select); coding-DNA position 1130, A replaced by G.
Protein change: p.Asp377Gly; replaces aspartic acid 377 with glycine.
Molecular consequence: missense variant.
Genome position (GRCh38, 1-based): chr16:3,536,159, A>G. VCF-style: chr16-3536159-A-G. GRCh37 (hg19) VCF-style: chr16-3586159-A-G.
Other names: c.1187A>G, p.Asp396Gly (NM_001330454.2); c.632A>G, p.Asp211Gly (NM_024793.3); short protein forms D377G, D396G, D211G.
Identifiers: ClinVar variation 1499668 (VCV001499668.6), dbSNP rs2151074311, ClinGen allele CA394516473.

ClinVar aggregate classification (germline): Uncertain significance (1 of 4 stars; one submission).

gnomAD v4.1: 5 of 1,614,158 alleles (0.00031%); highest among the groups gnomAD compares: Admixed American, 0.0067%; no homozygotes.

Submission:

Labcorp Genetics (formerly Invitae), Labcorp
Classification: Uncertain significance. Last evaluated: 2025-09-08. Review status: criteria provided, single submitter. Criteria: Invitae Variant Classification Sherloc (09022015). Collection method: clinical testing. Allele origin: germline.
Comment: This sequence change replaces aspartic acid, which is acidic and polar, with glycine, which is neutral and non-polar, at codon 377 of the CLUAP1 protein (p.Asp377Gly). This variant is not present in population databases (gnomAD no frequency). This variant has not been reported in the literature in individuals affected with CLUAP1-related conditions. ClinVar contains an entry for this variant (Variation ID: 1499668). Invitae Evidence Modeling of protein sequence and biophysical properties (such as structural, functional, and spatial information, amino acid conservation, physicochemical variation, residue mobility, and thermodynamic stability) indicates that this missense variant is not expected to disrupt CLUAP1 protein function with a negative predictive value of 80%. In summary, the available evidence is currently insufficient to determine the role of this variant in disease. Therefore, it has been classified as a Variant of Uncertain Significance.